The following is an entry in ClinVar:

NM_178822.5(IGSF10):c.7511A>G (p.Tyr2504Cys)

Gene: IGSF10 (immunoglobulin superfamily member 10; minus strand). Cytogenetic location: 3q25.1.
Variant type: single nucleotide variant.
Coding change: c.7511A>G on transcript NM_178822.5 (MANE Select); coding-DNA position 7511, A replaced by G.
Protein change: p.Tyr2504Cys; replaces tyrosine 2504 with cysteine.
Molecular consequence: missense variant.
Genome position (GRCh38, 1-based): chr3:151,437,050, T>C on the plus strand (A>G on the coding strand, the complement: IGSF10 is on the minus strand). VCF-style: chr3-151437050-T-C. GRCh37 (hg19) VCF-style: chr3-151154838-T-C.
Other names: c.1448A>G, p.Tyr483Cys (NM_001178145.3, NM_001178146.3); c.7511A>G, p.Tyr2504Cys (NM_001385060.1, NM_001385061.1, NM_001385062.1 and 1 more transcripts); short protein forms Y2504C, Y483C.
Identifiers: ClinVar variation 3711140 (VCV003711140.4).

ClinVar aggregate classification (germline): Likely benign. Review status: criteria provided, multiple submitters, no conflicts (2 of 4 stars). 2 submissions from 2 submitters: Likely benign (2). Last evaluated 2026-05-01.

gnomAD v4.1: 373 of 1,614,144 alleles (0.023%); highest among the groups gnomAD compares: South Asian, 0.38%; 3 homozygotes.

Submissions (2):

CeGaT Center for Human Genetics Tuebingen
Classification: Likely benign. Last evaluated: 2026-05-01. Review status: criteria provided, single submitter. Criteria: CeGaT Center For Human Genetics Tuebingen Variant Classification Criteria Version 2. Collection method: clinical testing. Allele origin: germline. Affected: yes. Observed: 1 variant allele.
Comment: IGSF10: BS1

Labcorp Genetics (formerly Invitae), Labcorp
Classification: Likely benign. Last evaluated: 2024-03-27. Review status: criteria provided, single submitter. Criteria: Invitae Variant Classification Sherloc (09022015). Collection method: clinical testing. Allele origin: germline.